The following is an entry in ClinVar:

NM_001172303.3(MASTL):c.1446A>G (p.Thr482=)

Gene: MASTL (microtubule associated serine/threonine kinase like; plus strand). Cytogenetic location: 10p12.1.
Variant type: single nucleotide variant.
Coding change: c.1446A>G on transcript NM_001172303.3 (MANE Select); coding-DNA position 1446, A replaced by G.
Protein change: p.Thr482=; no amino-acid change (threonine 482 retained).
Molecular consequence: synonymous variant. On other transcripts: non-coding transcript variant (1).
Genome position (GRCh38, 1-based): chr10:27,170,405, A>G. VCF-style: chr10-27170405-A-G. GRCh37 (hg19) VCF-style: chr10-27459334-A-G.
Other names: c.1446A>G, p.Thr482= (NM_001172304.3, NM_001320756.2, NM_001320757.2 and 1 more transcripts); c.963A>G, p.Thr321= (NM_001372029.1, NM_001372030.1).
Identifiers: ClinVar variation 4982857 (VCV004982857.1).

ClinVar aggregate classification (germline): Likely benign (1 of 4 stars; one submission).

Conditions:
MASTL-related disorder. Also called: MASTL-related condition.

gnomAD v4.1: 63 of 1,614,106 alleles (0.0039%); highest among the groups gnomAD compares: African/African-American, 0.08%; no homozygotes.

Submission:

PreventionGenetics, part of Exact Sciences
Classification: Likely benign for MASTL-related condition. Last evaluated: 2024-10-21. Review status: criteria provided, single submitter. Criteria: ACMG Guidelines, 2015. Collection method: clinical testing. Allele origin: germline.
Comment: This variant is classified as likely benign based on ACMG/AMP sequence variant interpretation guidelines (Richards et al. 2015 PMID: 25741868, with internal and published modifications).